The following is an entry in ClinVar:

NM_001330078.2(NRXN1):c.2347+18C>A

Gene: NRXN1 (neurexin 1; minus strand). Cytogenetic location: 2p16.3.
Variant type: single nucleotide variant.
Coding change: c.2347+18C>A on transcript NM_001330078.2 (MANE Select); 18 bases into the intron after coding-DNA position 2347, C replaced by A.
Molecular consequence: intron variant.
Genome position (GRCh38, 1-based): chr2:50,531,209, G>T on the plus strand (C>A on the coding strand, the complement: NRXN1 is on the minus strand). VCF-style: chr2-50531209-G-T. GRCh37 (hg19) VCF-style: chr2-50758347-G-T.
Other names: c.2263+18C>A (NM_001330096.2, NM_001330087.2); c.2308+18C>A (NM_001330083.2, NM_001330084.2); c.2293+18C>A (NM_001330088.2); c.2344+18C>A (NM_001330093.2); c.2335+18C>A (NM_001330094.2); c.2323+18C>A (NM_001330095.2, NM_001330082.2, NM_001330077.2); c.2347+18C>A (NM_001330085.2, NM_004801.6, NM_001330086.2); c.2467+18C>A (NM_001135659.3).
Identifiers: ClinVar variation 138554 (VCV000138554.10), dbSNP rs150460414, ClinGen allele CA292601.

ClinVar aggregate classification (germline): Benign/Likely benign. Review status: criteria provided, multiple submitters, no conflicts (2 of 4 stars). 3 submissions from 3 submitters: Benign (2); Likely benign (1). Last evaluated 2026-01-31.

Conditions:
Pitt-Hopkins-like syndrome 2 (PTHSL2). Identifiers: Orphanet 221150, Orphanet 600663, MedGen C3280479, MONDO:0013690, OMIM 614325.

Allele frequency attached by ClinVar (database versions not stated): gnomAD 0.00016 and 0.00021; 1000 Genomes Project 30x 0.00047; 1000 Genomes Project 0.00060; TOPMed 0.00061; ExAC 0.00123.
gnomAD v4.1: 466 of 1,603,406 alleles (0.029%); highest among the groups gnomAD compares: East Asian, 0.95%; 1 homozygote.

Submissions (3):

Labcorp Genetics (formerly Invitae), Labcorp
Classification: Benign for Pitt-Hopkins-like syndrome 2. Last evaluated: 2026-01-31. Review status: criteria provided, single submitter. Criteria: Invitae Variant Classification Sherloc (09022015). Collection method: clinical testing. Allele origin: germline.

Blueprint Genetics
Classification: Likely benign. Last evaluated: 2024-11-21. Review status: criteria provided, single submitter. Criteria: ACMG Guidelines, 2015. Collection method: clinical testing. Allele origin: germline.

GeneDx
Classification: Benign. Last evaluated: 2014-04-18. Review status: criteria provided, single submitter. Criteria: GeneDx Variant Classification (06012015). Collection method: clinical testing. Allele origin: germline. Affected: yes.
Comment: This variant is considered likely benign or benign based on one or more of the following criteria: it is a conservative change, it occurs at a poorly conserved position in the protein, it is predicted to be benign by multiple in silico algorithms, and/or has population frequency not consistent with disease.